The following is an entry in ClinVar:

NM_002204.4(ITGA3):c.2995G>A (p.Val999Met)

Gene: ITGA3 (integrin subunit alpha 3; plus strand). Cytogenetic location: 17q21.33.
Variant type: single nucleotide variant.
Coding change: c.2995G>A on transcript NM_002204.4 (MANE Select); coding-DNA position 2995, G replaced by A.
Protein change: p.Val999Met; replaces valine 999 with methionine.
Molecular consequence: missense variant.
Genome position (GRCh38, 1-based): chr17:50,087,819, G>A. VCF-style: chr17-50087819-G-A. GRCh37 (hg19) VCF-style: chr17-48165183-G-A.
Other names: c.2995G>A (NM_002204.2); short protein forms V999M.
Identifiers: ClinVar variation 2432888 (VCV002432888.4), dbSNP rs771635263, ClinGen allele CA8642126.

ClinVar aggregate classification (germline): Uncertain significance. Review status: criteria provided, multiple submitters, no conflicts (2 of 4 stars). 2 submissions from 2 submitters: Uncertain significance (2). Last evaluated 2024-11-01.

Conditions:
Epidermolysis bullosa, junctional 7, with interstitial lung disease and nephrotic syndrome. Also called: Interstitial Lung Disease with Nephrotic Syndrome and Epidermolysis Bullosa; Interstitial lung disease, nephrotic syndrome, and epidermolysis bullosa, congenital. Identifiers: Orphanet 306504, MedGen C4518785, MONDO:0013881, OMIM 614748.

Allele frequency attached by ClinVar (database versions not stated): ExAC 0.00002.
gnomAD v4.1: 6 of 1,611,438 alleles (0.00037%); highest among the groups gnomAD compares: South Asian, 0.0022%; no homozygotes.

Submissions (2):

GeneDx
Classification: Uncertain significance. Last evaluated: 2024-11-01. Review status: criteria provided, single submitter. Criteria: GeneDx Variant Classification Process June 2021. Collection method: clinical testing. Allele origin: germline. Affected: yes.
Comment: Not observed at significant frequency in large population cohorts (gnomAD); In silico analysis indicates that this missense variant does not alter protein structure/function; Has not been previously published as pathogenic or benign to our knowledge

Revvity Omics, Revvity
Classification: Uncertain significance for Epidermolysis bullosa, junctional 7, with interstitial lung disease and nephrotic syndrome. Last evaluated: 2021-09-17. Review status: criteria provided, single submitter. Criteria: ACMG Guidelines, 2015. Collection method: clinical testing. Allele origin: germline.